The following is an entry in ClinVar:

NM_000302.4(PLOD1):c.410G>C (p.Arg137Thr)

Gene: PLOD1 (procollagen-lysine,2-oxoglutarate 5-dioxygenase 1; plus strand). Cytogenetic location: 1p36.22.
Variant type: single nucleotide variant.
Coding change: c.410G>C on transcript NM_000302.4 (MANE Select); coding-DNA position 410, G replaced by C.
Protein change: p.Arg137Thr; replaces arginine 137 with threonine.
Molecular consequence: missense variant.
Genome position (GRCh38, 1-based): chr1:11,950,464, G>C. VCF-style: chr1-11950464-G-C. GRCh37 (hg19) VCF-style: chr1-12010521-G-C.
Other names: c.551G>C, p.Arg184Thr (NM_001316320.2); short protein forms R184T, R137T.
Identifiers: ClinVar variation 859624 (VCV000859624.10), dbSNP rs1156606108, ClinGen allele CA338427386.

ClinVar aggregate classification (germline): Uncertain significance. Review status: criteria provided, multiple submitters, no conflicts (2 of 4 stars). 2 submissions from 2 submitters: Uncertain significance (2). Last evaluated 2023-06-01.

Conditions:
Ehlers-Danlos syndrome, kyphoscoliotic type 1 (EDSKSCL1). Also called: EHLERS-DANLOS SYNDROME, OCULAR-SCOLIOTIC TYPE; Ehlers-Danlos syndrome, hydroxylysine-deficient; PLOD1-Related Kyphoscoliotic Ehlers-Danlos Syndrome; EHLERS-DANLOS SYNDROME, TYPE VIA. Identifiers: Orphanet 1900, MedGen C0268342, MONDO:0016002, OMIM 225400. Disease mechanism: loss of function.
Familial thoracic aortic aneurysm and aortic dissection (TAAD). Also called: Thoracic aortic aneurysms and dissections. Identifiers: Orphanet 91387, MedGen C4707243, MONDO:0019625.

Allele frequency attached by ClinVar (database versions not stated): gnomAD exomes below 0.00001; TOPMed 0.00001; gnomAD 0.00002.
gnomAD v4.1: 4 of 1,614,036 alleles (0.00025%); highest among the groups gnomAD compares: Non-Finnish European, 0.00034%; no homozygotes.

Submissions (2):

Ambry Genetics
Classification: Uncertain significance for Familial thoracic aortic aneurysm and aortic dissection. Last evaluated: 2023-06-01. Review status: criteria provided, single submitter. Criteria: Ambry Variant Classification Scheme 2023. Collection method: clinical testing. Allele origin: germline.
Comment: The p.R137T variant (also known as c.410G>C), located in coding exon 4 of the PLOD1 gene, results from a G to C substitution at nucleotide position 410. The arginine at codon 137 is replaced by threonine, an amino acid with similar properties. This amino acid position is conserved. In addition, this alteration is predicted to be tolerated by in silico analysis. Since supporting evidence is limited at this time, the clinical significance of this alteration remains unclear.

Labcorp Genetics (formerly Invitae), Labcorp
Classification: Uncertain significance for Ehlers-Danlos syndrome, kyphoscoliotic type 1. Last evaluated: 2023-05-22. Review status: criteria provided, single submitter. Criteria: Invitae Variant Classification Sherloc (09022015). Collection method: clinical testing. Allele origin: germline.
Comment: ClinVar contains an entry for this variant (Variation ID: 859624). This variant has not been reported in the literature in individuals affected with PLOD1-related conditions. This variant is not present in population databases (gnomAD no frequency). This sequence change replaces arginine, which is basic and polar, with threonine, which is neutral and polar, at codon 137 of the PLOD1 protein (p.Arg137Thr). Advanced modeling of protein sequence and biophysical properties (such as structural, functional, and spatial information, amino acid conservation, physicochemical variation, residue mobility, and thermodynamic stability) performed at Invitae indicates that this missense variant is not expected to disrupt PLOD1 protein function. In summary, the available evidence is currently insufficient to determine the role of this variant in disease. Therefore, it has been classified as a Variant of Uncertain Significance.